The following is an entry in ClinVar:

NM_021831.6(AGBL5):c.2539C>G (p.Pro847Ala)

Gene: AGBL5 (AGBL carboxypeptidase 5; plus strand). Cytogenetic location: 2p23.3.
Variant type: single nucleotide variant.
Coding change: c.2539C>G on transcript NM_021831.6 (MANE Select); coding-DNA position 2539, C replaced by G.
Protein change: p.Pro847Ala; replaces proline 847 with alanine.
Molecular consequence: missense variant. On other transcripts: non-coding transcript variant (2).
Genome position (GRCh38, 1-based): chr2:27,070,141, C>G. VCF-style: chr2-27070141-C-G. GRCh37 (hg19) VCF-style: chr2-27293009-C-G.
Other names: short protein forms P847A.
Identifiers: ClinVar variation 1059630 (VCV001059630.9), dbSNP rs995132163, ClinGen allele CA44460711.

ClinVar aggregate classification (germline): Uncertain significance (1 of 4 stars; one submission).

Submission:

Labcorp Genetics (formerly Invitae), Labcorp
Classification: Uncertain significance. Last evaluated: 2020-03-05. Review status: criteria provided, single submitter. Criteria: Invitae Variant Classification Sherloc (09022015). Collection method: clinical testing. Allele origin: germline.
Comment: This variant is not present in population databases (ExAC no frequency). This sequence change replaces proline with alanine at codon 847 of the AGBL5 protein (p.Pro847Ala). The proline residue is weakly conserved and there is a small physicochemical difference between proline and alanine. This variant has not been reported in the literature in individuals with AGBL5-related conditions. Algorithms developed to predict the effect of missense changes on protein structure and function (SIFT, PolyPhen-2, Align-GVGD) all suggest that this variant is likely to be tolerated, but these predictions have not been confirmed by published functional studies and their clinical significance is uncertain. In summary, the available evidence is currently insufficient to determine the role of this variant in disease. Therefore, it has been classified as a Variant of Uncertain Significance.